The following is an entry in ClinVar:

NM_182641.4(BPTF):c.1673A>G (p.Glu558Gly)

Gene: BPTF (bromodomain PHD finger transcription factor; plus strand). Cytogenetic location: 17q24.2.
Variant type: single nucleotide variant.
Coding change: c.1673A>G on transcript NM_182641.4 (MANE Select); coding-DNA position 1673, A replaced by G.
Protein change: p.Glu558Gly; replaces glutamic acid 558 with glycine.
Molecular consequence: missense variant.
Genome position (GRCh38, 1-based): chr17:67,874,829, A>G. VCF-style: chr17-67874829-A-G. GRCh37 (hg19) VCF-style: chr17-65870945-A-G.
Other names: c.1673A>G, p.Glu558Gly (NM_001439139.1, NM_001439140.1, NM_001439141.1 and 4 more transcripts); short protein forms E558G.
Identifiers: ClinVar variation 5002299 (VCV005002299.1).

ClinVar aggregate classification (germline): Uncertain significance (1 of 4 stars; one submission).

Conditions:
BPTF-related disorder. Also called: BPTF-related condition.

Submission:

PreventionGenetics, part of Exact Sciences
Classification: Uncertain significance for BPTF-related condition. Last evaluated: 2025-07-17. Review status: criteria provided, single submitter. Criteria: ACMG Guidelines, 2015. Collection method: clinical testing. Allele origin: germline.
Comment: The BPTF c.1673A>G variant is predicted to result in the amino acid substitution p.Glu558Gly. To our knowledge, this variant has not been reported in the literature or in a large population database (gnomAD), indicating this variant is rare. At this time, the clinical significance of this variant is uncertain due to the absence of conclusive functional and genetic evidence.